The following is an entry in ClinVar:

ClinVar aggregate classification (germline): Benign/Likely benign. Review status: criteria provided, multiple submitters, no conflicts (2 of 4 stars). 5 submissions from 5 submitters: Benign (1); Likely benign (4). Last evaluated 2025-11-14.

Conditions:
Familial adenomatous polyposis 1 (FAP1). Also called: FAMILIAL ADENOMATOUS POLYPOSIS 1, ATTENUATED; POLYPOSIS, ADENOMATOUS INTESTINAL. Identifiers: MedGen C2713442, MONDO:0021056, OMIM 175100. Disease mechanism: loss of function.
Hereditary cancer-predisposing syndrome. Also called: Neoplastic Syndromes, Hereditary; Tumor predisposition; Hereditary Cancer Syndrome; Hereditary neoplastic syndrome. Identifiers: Orphanet 140162, MedGen C0027672, MeSH D009386, MONDO:0015356.

Allele frequency attached by ClinVar (database versions not stated): gnomAD exomes below 0.00001; ExAC 0.00001.
gnomAD v4.1: 7 of 1,614,182 alleles (0.00043%); highest among the groups gnomAD compares: South Asian, 0.0044%; no homozygotes.

Submissions (5):

Labcorp Genetics (formerly Invitae), Labcorp
Classification: Likely benign for Familial adenomatous polyposis 1. Last evaluated: 2025-11-14. Review status: criteria provided, single submitter. Criteria: Invitae Variant Classification Sherloc (09022015). Collection method: clinical testing. Allele origin: germline.

Center for Genomic Medicine, Rigshospitalet, Copenhagen University Hospital
Classification: Likely benign. Last evaluated: 2025-03-04. Review status: criteria provided, single submitter. Criteria: ACMG Guidelines, 2015. Collection method: clinical testing. Allele origin: germline.

Myriad Genetics, Inc.
Classification: Benign for Familial adenomatous polyposis 1. Last evaluated: 2024-03-25. Review status: criteria provided, single submitter. Criteria: Myriad Autosomal Dominant, Autosomal Recessive and X-Linked Classification Criteria (2023). Collection method: clinical testing. Allele origin: unknown.
Comment: This variant is considered benign. This variant is a silent/synonymous amino acid change and it is not expected to impact splicing.

Color Diagnostics, LLC DBA Color Health
Classification: Likely benign for Hereditary cancer-predisposing syndrome. Last evaluated: 2018-09-06. Review status: criteria provided, single submitter. Criteria: ACMG Guidelines, 2015. Collection method: clinical testing. Allele origin: germline.

Ambry Genetics
Classification: Likely benign for Hereditary cancer-predisposing syndrome. Last evaluated: 2017-05-12. Review status: criteria provided, single submitter. Criteria: Ambry Variant Classification Scheme 2023. Collection method: clinical testing. Allele origin: germline.

NM_000038.6(APC):c.3990T>A (p.Pro1330=)

Gene: APC (APC regulator of Wnt signaling pathway; plus strand). Cytogenetic location: 5q22.2.
Variant type: single nucleotide variant.
Coding change: c.3990T>A on transcript NM_000038.6 (MANE Select); coding-DNA position 3990, T replaced by A.
Protein change: p.Pro1330=; no amino-acid change (proline 1330 retained).
Molecular consequence: synonymous variant.
Genome position (GRCh38, 1-based): chr5:112,839,584, T>A. VCF-style: chr5-112839584-T-A. GRCh37 (hg19) VCF-style: chr5-112175281-T-A.
Other names: c.3990T>A, p.Pro1330= (NM_001127510.3, NM_001354895.2); c.3936T>A, p.Pro1312= (NM_001127511.3); c.4044T>A, p.Pro1348= (NM_001354896.2); c.4020T>A, p.Pro1340= (NM_001354897.2); c.3915T>A, p.Pro1305= (NM_001354898.2); c.3906T>A, p.Pro1302= (NM_001354899.2); c.3867T>A, p.Pro1289= (NM_001354900.2); c.3813T>A, p.Pro1271= (NM_001354901.2); and 5 more.
Identifiers: ClinVar variation 482254 (VCV000482254.19), dbSNP rs758667746, ClinGen allele CA037272.